The following is an entry in ClinVar:

NM_181523.3(PIK3R1):c.607T>C (p.Tyr203His)

Gene: PIK3R1 (phosphoinositide-3-kinase regulatory subunit 1; plus strand). Cytogenetic location: 5q13.1.
Variant type: single nucleotide variant.
Coding change: c.607T>C on transcript NM_181523.3 (MANE Select); coding-DNA position 607, T replaced by C.
Protein change: p.Tyr203His; replaces tyrosine 203 with histidine.
Molecular consequence: missense variant.
Genome position (GRCh38, 1-based): chr5:68,279,706, T>C. VCF-style: chr5-68279706-T-C. GRCh37 (hg19) VCF-style: chr5-67575534-T-C.
Other names: short protein forms Y203H.
Identifiers: ClinVar variation 2924251 (VCV002924251.3), dbSNP rs1392218886, ClinGen allele CA359874040.

ClinVar aggregate classification (germline): Uncertain significance (1 of 4 stars; one submission).

Conditions:
SHORT syndrome. Also called: LIPODYSTROPHY, PARTIAL, WITH RIEGER ANOMALY AND SHORT STATURE; PIK3R1-Related SHORT Syndrome; SHORT STATURE, HYPEREXTENSIBILITY, HERNIA, OCULAR DEPRESSION, RIEGER ANOMALY, AND TEETHING DELAY. Identifiers: Orphanet 3163, MedGen C0878684, MONDO:0010026, OMIM 269880.
Agammaglobulinemia 7, autosomal recessive (AGM7). Also called: AGAMMAGLOBULINEMIA, AUTOSOMAL RECESSIVE, DUE TO PIK3R1 DEFECT. Identifiers: MedGen C3554689, MONDO:0014083, OMIM 615214.
Immunodeficiency 36 with lymphoproliferation. Also called: Immunodeficiency 36; ACTIVATED PI3K-DELTA SYNDROME 2; Activated PI3K Delta Syndrome Type 2 (APDS2). Identifiers: Orphanet 397596, Orphanet 693681, MedGen C4014934, MONDO:0014453, OMIM 616005.

Allele frequency attached by ClinVar (database versions not stated): gnomAD exomes below 0.00001; gnomAD 0.00001.
gnomAD v4.1: 4 of 1,614,072 alleles (0.00025%); highest among the groups gnomAD compares: Admixed American, 0.0033%; no homozygotes.

Submission:

Labcorp Genetics (formerly Invitae), Labcorp
Classification: Uncertain significance for SHORT syndrome; Immunodeficiency 36 with lymphoproliferation; Agammaglobulinemia 7, autosomal recessive. Last evaluated: 2025-08-13. Review status: criteria provided, single submitter. Criteria: Invitae Variant Classification Sherloc (09022015). Collection method: clinical testing. Allele origin: germline.
Comment: This sequence change replaces tyrosine, which is neutral and polar, with histidine, which is basic and polar, at codon 203 of the PIK3R1 protein (p.Tyr203His). This variant is present in population databases (no rsID available, gnomAD 0.006%). This variant has not been reported in the literature in individuals affected with PIK3R1-related conditions. ClinVar contains an entry for this variant (Variation ID: 2924251). An algorithm developed to predict the effect of missense changes on protein structure and function (PolyPhen-2) suggests that this variant is likely to be tolerated. In summary, the available evidence is currently insufficient to determine the role of this variant in disease. Therefore, it has been classified as a Variant of Uncertain Significance.